The following is an entry in ClinVar:

NM_058216.3(RAD51C):c.936G>A (p.Arg312=)

Gene: RAD51C (RAD51 paralog C; plus strand). Cytogenetic location: 17q22.
Variant type: single nucleotide variant.
Coding change: c.936G>A on transcript NM_058216.3 (MANE Select); coding-DNA position 936, G replaced by A.
Protein change: p.Arg312=; no amino-acid change (arginine 312 retained).
Molecular consequence: synonymous variant. On other transcripts: non-coding transcript variant (1).
Genome position (GRCh38, 1-based): chr17:58,724,071, G>A. VCF-style: chr17-58724071-G-A. GRCh37 (hg19) VCF-style: chr17-56801432-G-A.
Identifiers: ClinVar variation 486277 (VCV000486277.11), dbSNP rs1555603022, ClinGen allele CA501075914.

ClinVar aggregate classification (germline): Benign/Likely benign. Review status: criteria provided, multiple submitters, no conflicts (2 of 4 stars). 3 submissions from 3 submitters: Benign (1); Likely benign (2). Last evaluated 2025-02-19.

Conditions:
Breast-ovarian cancer, familial, susceptibility to, 3. Also called: RAD51C-Related Breast/Ovarian Cancer. Identifiers: Orphanet 145, MedGen C3150659, MONDO:0013253, OMIM 613399.
Hereditary cancer-predisposing syndrome. Also called: Tumor predisposition; Neoplastic Syndromes, Hereditary; Hereditary Cancer Syndrome; Hereditary neoplastic syndrome. Identifiers: Orphanet 140162, MedGen C0027672, MeSH D009386, MONDO:0015356.
Fanconi anemia complementation group O. Also called: RAD51C-Related Fanconi Anemia. Identifiers: Orphanet 84, MedGen C3150653, MONDO:0013248, OMIM 613390.

Submissions (3):

Myriad Genetics, Inc.
Classification: Benign for Breast-ovarian cancer, familial, susceptibility to, 3. Last evaluated: 2025-02-19. Review status: criteria provided, single submitter. Criteria: Myriad Autosomal Dominant, Autosomal Recessive and X-Linked Classification Criteria (2023). Collection method: clinical testing. Allele origin: unknown.
Comment: This variant is considered benign. This variant is a silent/synonymous amino acid change and it is not expected to impact splicing.

Labcorp Genetics (formerly Invitae), Labcorp
Classification: Likely benign for Fanconi anemia complementation group O. Last evaluated: 2023-08-28. Review status: criteria provided, single submitter. Criteria: Invitae Variant Classification Sherloc (09022015). Collection method: clinical testing. Allele origin: germline.

Ambry Genetics
Classification: Likely benign for Hereditary cancer-predisposing syndrome. Last evaluated: 2016-12-22. Review status: criteria provided, single submitter. Criteria: Ambry Variant Classification Scheme 2023. Collection method: clinical testing. Allele origin: germline.